The following is an entry in ClinVar:

ClinVar aggregate classification (germline): Pathogenic (1 of 4 stars; one submission).

Allele frequency attached by ClinVar (database versions not stated): gnomAD exomes below 0.00001; TOPMed below 0.00001.
gnomAD v4.1: 2 of 1,613,836 alleles (0.00012%); highest among the groups gnomAD compares: Non-Finnish European, 0.00017%; no homozygotes.

Submission:

Labcorp Genetics (formerly Invitae), Labcorp
Classification: Pathogenic. Last evaluated: 2024-02-12. Review status: criteria provided, single submitter. Criteria: Invitae Variant Classification Sherloc (09022015). Collection method: clinical testing. Allele origin: germline.
Comment: This sequence change creates a premature translational stop signal (p.Ser1175*) in the LRPPRC gene. It is expected to result in an absent or disrupted protein product. Loss-of-function variants in LRPPRC are known to be pathogenic (PMID: 26510951). This variant is not present in population databases (gnomAD no frequency). This variant has not been reported in the literature in individuals affected with LRPPRC-related conditions. ClinVar contains an entry for this variant (Variation ID: 836039). For these reasons, this variant has been classified as Pathogenic.

Literature cited by the submitters: PubMed 26510951.

NM_133259.4(LRPPRC):c.3524C>G (p.Ser1175Ter)

Gene: LRPPRC (leucine rich pentatricopeptide repeat containing; minus strand). Cytogenetic location: 2p21.
Variant type: single nucleotide variant.
Coding change: c.3524C>G on transcript NM_133259.4 (MANE Select); coding-DNA position 3524, C replaced by G.
Protein change: p.Ser1175Ter; replaces serine 1175 with a stop codon.
Molecular consequence: nonsense.
Genome position (GRCh38, 1-based): chr2:43,901,365, G>C on the plus strand (C>G on the coding strand, the complement: LRPPRC is on the minus strand). VCF-style: chr2-43901365-G-C. GRCh37 (hg19) VCF-style: chr2-44128504-G-C.
Other names: short protein forms S1175*.
Identifiers: ClinVar variation 836039 (VCV000836039.8), dbSNP rs1313891160, ClinGen allele CA346677565.